The following is an entry in ClinVar:

NM_005630.3(SLCO2A1):c.1615A>G (p.Met539Val)

Gene: SLCO2A1 (solute carrier organic anion transporter family member 2A1; minus strand). Cytogenetic location: 3q22.1.
Variant type: single nucleotide variant.
Coding change: c.1615A>G on transcript NM_005630.3 (MANE Select); coding-DNA position 1615, A replaced by G.
Protein change: p.Met539Val; replaces methionine 539 with valine.
Molecular consequence: missense variant.
Genome position (GRCh38, 1-based): chr3:133,942,615, T>C on the plus strand (A>G on the coding strand, the complement: SLCO2A1 is on the minus strand). VCF-style: chr3-133942615-T-C. GRCh37 (hg19) VCF-style: chr3-133661459-T-C.
Other names: short protein forms M539V.
Identifiers: ClinVar variation 2065998 (VCV002065998.11), dbSNP rs140206661, ClinGen allele CA2626404.

ClinVar aggregate classification (germline): Uncertain significance. Review status: criteria provided, multiple submitters, no conflicts (2 of 4 stars). 2 submissions from 2 submitters: Uncertain significance (2). Last evaluated 2025-07-01.

Allele frequency attached by ClinVar (database versions not stated): ExAC 0.00030; ESP Exome Variant Server 0.00038; gnomAD 0.00039; TOPMed 0.00039; gnomAD exomes 0.00045.

Submissions (3):

CeGaT Center for Human Genetics Tuebingen
Classification: Uncertain significance. Last evaluated: 2025-07-01. Review status: criteria provided, single submitter. Criteria: CeGaT Center For Human Genetics Tuebingen Variant Classification Criteria Version 2. Collection method: clinical testing. Allele origin: germline. Affected: yes. Observed: 1 variant allele.

Labcorp Genetics (formerly Invitae), Labcorp
Classification: Uncertain significance. Last evaluated: 2023-10-03. Review status: criteria provided, single submitter. Criteria: Invitae Variant Classification Sherloc (09022015). Collection method: clinical testing. Allele origin: germline.
Comment: This sequence change replaces methionine, which is neutral and non-polar, with valine, which is neutral and non-polar, at codon 539 of the SLCO2A1 protein (p.Met539Val). This variant is present in population databases (rs140206661, gnomAD 0.06%). This variant has not been reported in the literature in individuals affected with SLCO2A1-related conditions. ClinVar contains an entry for this variant (Variation ID: 2065998). Advanced modeling of protein sequence and biophysical properties (such as structural, functional, and spatial information, amino acid conservation, physicochemical variation, residue mobility, and thermodynamic stability) performed at Invitae indicates that this missense variant is not expected to disrupt SLCO2A1 protein function. In summary, the available evidence is currently insufficient to determine the role of this variant in disease. Therefore, it has been classified as a Variant of Uncertain Significance.

Dr. Peter K. Rogan Lab, Western University
No classification provided (evidence only). Condition: Clear cell carcinoma of kidney. Review status: no classification provided. Collection method: in vitro. Allele origin: not applicable. Functional consequence: retained intron. Not counted in ClinVar's aggregate classification.